The following is an entry in ClinVar:

ClinVar aggregate classification (germline): Likely benign. Review status: criteria provided, multiple submitters, no conflicts (2 of 4 stars). 2 submissions from 2 submitters: Likely benign (2). Last evaluated 2025-06-23.

Conditions:
NRP2-related disorder. Also called: NRP2-related condition.

Allele frequency attached by ClinVar (database versions not stated): ExAC 0.00001; gnomAD exomes 0.00004.
gnomAD v4.1: 36 of 1,613,122 alleles (0.0022%); highest among the groups gnomAD compares: Non-Finnish European, 0.0029%; no homozygotes.

Submissions (2):

PreventionGenetics, part of Exact Sciences
Classification: Likely benign for NRP2-related condition. Last evaluated: 2025-06-23. Review status: criteria provided, single submitter. Criteria: ACMG Guidelines, 2015. Collection method: clinical testing. Allele origin: germline.
Comment: This variant is classified as likely benign based on ACMG/AMP sequence variant interpretation guidelines (Richards et al. 2015 PMID: 25741868, with internal and published modifications).

Labcorp Genetics (formerly Invitae), Labcorp
Classification: Likely benign. Last evaluated: 2018-08-10. Review status: criteria provided, single submitter. Criteria: Invitae Variant Classification Sherloc (09022015). Collection method: clinical testing. Allele origin: germline.

NM_003872.3(NRP2):c.996C>T (p.Asp332=)

Gene: NRP2 (neuropilin 2; plus strand). Cytogenetic location: 2q33.3.
Variant type: single nucleotide variant.
Coding change: c.996C>T on transcript NM_003872.3 (MANE Select); coding-DNA position 996, C replaced by T.
Protein change: p.Asp332=; no amino-acid change (aspartic acid 332 retained).
Molecular consequence: synonymous variant.
Genome position (GRCh38, 1-based): chr2:205,727,896, C>T. VCF-style: chr2-205727896-C-T. GRCh37 (hg19) VCF-style: chr2-206592620-C-T.
Other names: c.996C>T, p.Asp332= (NM_018534.4, NM_201264.2, NM_201266.2 and 2 more transcripts).
Identifiers: ClinVar variation 756039 (VCV000756039.4), dbSNP rs770873685, ClinGen allele CA2068987.